The following is an entry in ClinVar:

NM_000553.6(WRN):c.2263G>A (p.Val755Ile)

Gene: WRN (WRN RecQ like helicase; plus strand). Cytogenetic location: 8p12.
Variant type: single nucleotide variant.
Coding change: c.2263G>A on transcript NM_000553.6 (MANE Select); coding-DNA position 2263, G replaced by A.
Protein change: p.Val755Ile; replaces valine 755 with isoleucine.
Molecular consequence: missense variant.
Genome position (GRCh38, 1-based): chr8:31,111,789, G>A. VCF-style: chr8-31111789-G-A. GRCh37 (hg19) VCF-style: chr8-30969305-G-A.
Other names: short protein forms V755I.
Identifiers: ClinVar variation 528170 (VCV000528170.10), dbSNP rs769448856, ClinGen allele CA4704686.
Genomic context (GRCh38, chr8:31,111,789, plus strand): 5'-CTGTATTTAGAAGTTAGGCGAAAAACAGGGAATATCCTTCAGGATCTGCAGCCATTTCTT[G>A]TCAAAACAAGGTAAGGATTTAATGGTTGATGAATTTTGGTAATGATTTCCTTTTTTTTTT-3'
Protein context (NP_000544.2, residues 745-765): NILQDLQPFL[Val755Ile]KTSSHWEFEG

ClinVar aggregate classification (germline): Uncertain significance. Review status: criteria provided, multiple submitters, no conflicts (2 of 4 stars). 3 submissions from 3 submitters: Uncertain significance (3). Last evaluated 2025-09-10.

Conditions:
Werner syndrome (WRN). Identifiers: Orphanet 902, MedGen C0043119, MONDO:0010196, OMIM 277700.
Inborn genetic diseases. Identifiers: MedGen C0950123, MeSH D030342.

Allele frequency attached by ClinVar (database versions not stated): ExAC 0.00002; TOPMed 0.00002; gnomAD 0.00003 and 0.00004; gnomAD exomes 0.00003 and 0.00005.
gnomAD v4.1: 73 of 1,612,698 alleles (0.0045%); highest among the groups gnomAD compares: Non-Finnish European, 0.0058%; no homozygotes.

Submissions (3):

Labcorp Genetics (formerly Invitae), Labcorp
Classification: Uncertain significance for Werner syndrome. Last evaluated: 2025-09-10. Review status: criteria provided, single submitter. Criteria: Invitae Variant Classification Sherloc (09022015). Collection method: clinical testing. Allele origin: germline.
Comment: This sequence change replaces valine, which is neutral and non-polar, with isoleucine, which is neutral and non-polar, at codon 755 of the WRN protein (p.Val755Ile). This variant is present in population databases (rs769448856, gnomAD 0.006%). This variant has not been reported in the literature in individuals affected with WRN-related conditions. ClinVar contains an entry for this variant (Variation ID: 528170). An algorithm developed to predict the effect of missense changes on protein structure and function outputs the following: PolyPhen-2: "Benign". The isoleucine amino acid residue is found in multiple mammalian species, which suggests that this missense change does not adversely affect protein function. In summary, the available evidence is currently insufficient to determine the role of this variant in disease. Therefore, it has been classified as a Variant of Uncertain Significance.

Ambry Genetics
Classification: Uncertain significance for Inborn genetic diseases. Last evaluated: 2024-05-12. Review status: criteria provided, single submitter. Criteria: Ambry Variant Classification Scheme 2023. Collection method: clinical testing. Allele origin: germline.

Fulgent Genetics
Classification: Uncertain significance for Werner syndrome. Last evaluated: 2018-10-31. Review status: criteria provided, single submitter. Criteria: ACMG Guidelines, 2015. Collection method: clinical testing. Allele origin: unknown.